The following is an entry in ClinVar:

ClinVar aggregate classification (germline): Uncertain significance (1 of 4 stars; one submission).

Submission:

Ambry Genetics
Classification: Uncertain significance. Last evaluated: 2025-07-10. Review status: criteria provided, single submitter. Criteria: Ambry Variant Classification Scheme 2023. Collection method: clinical testing. Allele origin: germline.
Comment: The p.L1233V variant (also known as c.3697C>G), located in coding exon 6 of the MLH3 gene, results from a C to G substitution at nucleotide position 3697. The leucine at codon 1233 is replaced by valine, an amino acid with highly similar properties. This amino acid position is conserved. In addition, the in silico prediction for this alteration is inconclusive. Based on the available evidence, the clinical significance of this variant remains unclear.

NM_001040108.2(MLH3):c.3697C>G (p.Leu1233Val)

Gene: MLH3 (mutL homolog 3; minus strand). Cytogenetic location: 14q24.3.
Variant type: single nucleotide variant.
Coding change: c.3697C>G on transcript NM_001040108.2 (MANE Select); coding-DNA position 3697, C replaced by G.
Protein change: p.Leu1233Val; replaces leucine 1233 with valine.
Molecular consequence: missense variant. On other transcripts: intron variant (1).
Genome position (GRCh38, 1-based): chr14:75,033,437, G>C on the plus strand (C>G on the coding strand, the complement: MLH3 is on the minus strand). VCF-style: chr14-75033437-G-C. GRCh37 (hg19) VCF-style: chr14-75500140-G-C.
Other names: c.3644-1258C>G (NM_014381.3); short protein forms L1233V.
Identifiers: ClinVar variation 4108638 (VCV004108638.1).